The following is an entry in ClinVar:

NM_000535.7(PMS2):c.589G>A (p.Gly197Ser)

Gene: PMS2 (PMS1 homolog 2, mismatch repair system component; minus strand). Cytogenetic location: 7p22.1.
Variant type: single nucleotide variant.
Coding change: c.589G>A on transcript NM_000535.7 (MANE Select); coding-DNA position 589, G replaced by A.
Protein change: p.Gly197Ser; replaces glycine 197 with serine.
Molecular consequence: missense variant. On other transcripts: 5 prime UTR variant (2), non-coding transcript variant (1), intron variant (1).
Genome position (GRCh38, 1-based): chr7:5,999,224, C>T on the plus strand (G>A on the coding strand, the complement: PMS2 is on the minus strand). VCF-style: chr7-5999224-C-T. GRCh37 (hg19) VCF-style: chr7-6038855-C-T.
Other names: c.184G>A, p.Gly62Ser (NM_001018040.1, NM_001322003.2, NM_001322004.2 and 22 more transcripts); c.589G>A, p.Gly197Ser (NM_001322006.2, NM_001322014.2, NM_001406869.1 and 5 more transcripts); c.271G>A, p.Gly91Ser (NM_001322007.2, NM_001322008.2, NM_001406876.1 and 4 more transcripts); c.-345G>A (NM_001322011.2, NM_001322012.2); c.280G>A, p.Gly94Ser (NM_001322015.2, NM_001406875.1, NM_001406877.1 and 6 more transcripts); c.775G>A, p.Gly259Ser (NM_001406866.1); c.613G>A, p.Gly205Ser (NM_001406868.1); c.253G>A, p.Gly85Ser (NM_001406885.1); and 1 more; short protein forms G197S, G259S, G85S, G91S, G62S, G94S, G205S.
Identifiers: ClinVar variation 1750363 (VCV001750363.2), dbSNP rs1583387352, ClinGen allele CA366744027.

ClinVar aggregate classification (germline): Uncertain significance (1 of 4 stars; one submission).

Conditions:
Hereditary cancer-predisposing syndrome. Also called: Hereditary Cancer Syndrome; Hereditary neoplastic syndrome; Neoplastic Syndromes, Hereditary; Tumor predisposition. Identifiers: Orphanet 140162, MedGen C0027672, MeSH D009386, MONDO:0015356.

Submission:

Ambry Genetics
Classification: Uncertain significance for Hereditary cancer-predisposing syndrome. Last evaluated: 2020-05-05. Review status: criteria provided, single submitter. Criteria: Ambry Variant Classification Scheme 2023. Collection method: clinical testing. Allele origin: germline.
Comment: The p.G197S variant (also known as c.589G>A), located in coding exon 6 of the PMS2 gene, results from a G to A substitution at nucleotide position 589. The glycine at codon 197 is replaced by serine, an amino acid with similar properties. This amino acid position is highly conserved in available vertebrate species. In addition, this alteration is predicted to be deleterious by in silico analysis. Since supporting evidence is limited at this time, the clinical significance of this alteration remains unclear.